The following is an entry in ClinVar:

ClinVar aggregate classification (germline): Likely benign (1 of 4 stars; one submission).

Conditions:
SIM1-related disorder. Also called: SIM1-related disorders; SIM1-related condition.

Submission:

PreventionGenetics, part of Exact Sciences
Classification: Likely benign for SIM1-related condition. Last evaluated: 2025-08-07. Review status: criteria provided, single submitter. Criteria: ACMG Guidelines, 2015. Collection method: clinical testing. Allele origin: germline.
Comment: This variant is classified as likely benign based on ACMG/AMP sequence variant interpretation guidelines (Richards et al. 2015 PMID: 25741868, with internal and published modifications).

NM_005068.3(SIM1):c.348+4G>A

Gene: SIM1 (SIM bHLH transcription factor 1; minus strand). Cytogenetic location: 6q16.3.
Variant type: single nucleotide variant.
Coding change: c.348+4G>A on transcript NM_005068.3 (MANE Select); 4 bases into the intron after coding-DNA position 348, G replaced by A.
Molecular consequence: intron variant.
Genome position (GRCh38, 1-based): chr6:100,450,263, C>T on the plus strand (G>A on the coding strand, the complement: SIM1 is on the minus strand). VCF-style: chr6-100450263-C-T. GRCh37 (hg19) VCF-style: chr6-100898139-C-T.
Other names: c.348+4G>A (NM_001374769.1).
Identifiers: ClinVar variation 5002460 (VCV005002460.1).